The following is an entry in ClinVar:

ClinVar aggregate classification (germline): Uncertain significance (1 of 4 stars; one submission).

Conditions:
Hereditary spastic paraplegia 3A (SPG3A). Also called: SPASTIC PARAPLEGIA 3, AUTOSOMAL DOMINANT; FAMILIAL SPASTIC PARAPLEGIA, AUTOSOMAL DOMINANT, 1; SPG3; STRUMPELL DISEASE; Spastic Paraplegia 3A; Spastic paraplegia 3A, autosomal dominant. Identifiers: Orphanet 100984, MedGen C2931355, MONDO:0008437, OMIM 182600.

gnomAD v4.1: 1 of 1,612,574 alleles (0.000062%); highest among the groups gnomAD compares: Admixed American, 0.0017%; no homozygotes.

Submission:

Labcorp Genetics (formerly Invitae), Labcorp
Classification: Uncertain significance for Hereditary spastic paraplegia 3A. Last evaluated: 2025-08-23. Review status: criteria provided, single submitter. Criteria: Invitae Variant Classification Sherloc (09022015). Collection method: clinical testing. Allele origin: germline.
Comment: This sequence change replaces glutamic acid, which is acidic and polar, with valine, which is neutral and non-polar, at codon 237 of the ATL1 protein (p.Glu237Val). This variant is present in population databases (no rsID available, gnomAD 0.003%). This variant has not been reported in the literature in individuals affected with ATL1-related conditions. Invitae Evidence Modeling of protein sequence and biophysical properties (such as structural, functional, and spatial information, amino acid conservation, physicochemical variation, residue mobility, and thermodynamic stability) has been performed for this missense variant. However, the output from this modeling did not meet the statistical confidence thresholds required to predict the impact of this variant on ATL1 protein function. Algorithms developed to predict the effect of sequence changes on RNA splicing suggest that this variant may create or strengthen a splice site. In summary, the available evidence is currently insufficient to determine the role of this variant in disease. Therefore, it has been classified as a Variant of Uncertain Significance.

NM_015915.5(ATL1):c.710A>T (p.Glu237Val)

Gene: ATL1 (atlastin GTPase 1; plus strand). Cytogenetic location: 14q22.1.
Variant type: single nucleotide variant.
Coding change: c.710A>T on transcript NM_015915.5 (MANE Select); coding-DNA position 710, A replaced by T.
Protein change: p.Glu237Val; replaces glutamic acid 237 with valine.
Molecular consequence: missense variant.
Genome position (GRCh38, 1-based): chr14:50,613,338, A>T. VCF-style: chr14-50613338-A-T. GRCh37 (hg19) VCF-style: chr14-51080056-A-T.
Other names: c.710A>T, p.Glu237Val (NM_001127713.1, NM_181598.4); short protein forms E237V.
Identifiers: ClinVar variation 4709881 (VCV004709881.1).